The following is an entry in ClinVar:

ClinVar aggregate classification (germline): Benign/Likely benign. Review status: criteria provided, multiple submitters, no conflicts (2 of 4 stars). 2 submissions from 2 submitters: Benign (1); Likely benign (1). Last evaluated 2026-07-01.

Conditions:
Sessile serrated polyposis cancer syndrome (SSPCS). Identifiers: Orphanet 157798, MedGen C4310714, MONDO:0014919, OMIM 617108.

gnomAD v4.1: 1 of 1,614,008 alleles (0.000062%); highest among the groups gnomAD compares: Non-Finnish European, 0.000085%; no homozygotes.

Submissions (2):

Myriad Genetics, Inc.
Classification: Benign for Sessile serrated polyposis cancer syndrome. Last evaluated: 2026-07-01. Review status: criteria provided, single submitter. Criteria: Myriad Autosomal Dominant, Autosomal Recessive and X-Linked Classification Criteria (2023). Collection method: clinical testing. Allele origin: unknown.
Comment: This variant is considered benign. This variant is a silent/synonymous amino acid change and it is not expected to impact splicing.

Ambry Genetics
Classification: Likely benign. Last evaluated: 2026-06-18. Review status: criteria provided, single submitter. Criteria: Ambry Variant Classification Scheme 2023. Collection method: clinical testing. Allele origin: germline.

NM_017763.6(RNF43):c.1326C>T (p.Asp442=)

Gene: RNF43 (ring finger protein 43; minus strand). Cytogenetic location: 17q22.
Variant type: single nucleotide variant.
Coding change: c.1326C>T on transcript NM_017763.6 (MANE Select); coding-DNA position 1326, C replaced by T.
Protein change: p.Asp442=; no amino-acid change (aspartic acid 442 retained).
Molecular consequence: synonymous variant.
Genome position (GRCh38, 1-based): chr17:58,358,450, G>A on the plus strand (C>T on the coding strand, the complement: RNF43 is on the minus strand). VCF-style: chr17-58358450-G-A. GRCh37 (hg19) VCF-style: chr17-56435811-G-A.
Other names: c.1326C>T, p.Asp442= (NM_001305544.3, NM_001438820.1, NM_001438821.1 and 1 more transcripts); c.945C>T, p.Asp315= (NM_001305545.2, NM_001437987.1).
Identifiers: ClinVar variation 5028317 (VCV005028317.2).